The following is an entry in ClinVar:

ClinVar aggregate classification (germline): Conflicting classifications of pathogenicity. Review status: criteria provided, conflicting classifications (1 of 4 stars). 4 submissions from 4 submitters: Uncertain significance (2); Likely benign (2). Last evaluated 2026-05-27.

Conditions:
ANLN-related disorder. Also called: ANLN-related condition.
Chronic kidney disease. Identifiers: MedGen C1561643, MONDO:0005300, HP:0012622.

Allele frequency attached by ClinVar (database versions not stated): ESP Exome Variant Server 0.00038; TOPMed 0.00018.
gnomAD v4.1: 277 of 1,614,024 alleles (0.017%); highest among the groups gnomAD compares: Middle Eastern, 0.099%; no homozygotes.

Submissions (4):

PreventionGenetics, part of Exact Sciences
Classification: Likely benign for ANLN-related condition. Last evaluated: 2026-05-27. Review status: criteria provided, single submitter. Criteria: ACMG Guidelines, 2015. Collection method: clinical testing. Allele origin: germline.
Comment: This variant is classified as likely benign based on ACMG/AMP sequence variant interpretation guidelines (Richards et al. 2015 PMID: 25741868, with internal and published modifications).

Labcorp Genetics (formerly Invitae), Labcorp
Classification: Likely benign. Last evaluated: 2025-10-09. Review status: criteria provided, single submitter. Criteria: Invitae Variant Classification Sherloc (09022015). Collection method: clinical testing. Allele origin: germline.

GeneDx
Classification: Uncertain significance. Last evaluated: 2024-05-30. Review status: criteria provided, single submitter. Criteria: GeneDx Variant Classification Process June 2021. Collection method: clinical testing. Allele origin: germline. Affected: yes.
Comment: In silico analysis supports that this missense variant has a deleterious effect on protein structure/function; Has not been previously published as pathogenic or benign to our knowledge

Cavalleri Lab, Royal College of Surgeons in Ireland
Classification: Uncertain significance for Chronic kidney disease. Last evaluated: 2020-05-28. Review status: criteria provided, single submitter. Criteria: ACMG Guidelines, 2015. Collection method: research. Allele origin: unknown. Inheritance: Autosomal dominant inheritance. Affected: yes.
Comment: PP3, BS1

NM_018685.5(ANLN):c.575C>G (p.Ser192Trp)

Gene: ANLN (anillin, actin binding protein; plus strand). Cytogenetic location: 7p14.2.
Variant type: single nucleotide variant.
Coding change: c.575C>G on transcript NM_018685.5 (MANE Select); coding-DNA position 575, C replaced by G.
Protein change: p.Ser192Trp; replaces serine 192 with tryptophan.
Molecular consequence: missense variant.
Genome position (GRCh38, 1-based): chr7:36,406,268, C>G. VCF-style: chr7-36406268-C-G. GRCh37 (hg19) VCF-style: chr7-36445877-C-G.
Other names: c.575C>G (NM_018685.4); c.575C>G, p.Ser192Trp (NM_001284301.3, NM_001284302.3); short protein forms S192W.
Identifiers: ClinVar variation 915855 (VCV000915855.11), dbSNP rs139482132, ClinGen allele CA4219379.
Genomic context (GRCh38, chr7:36,406,268, plus strand): 5'-CACCAATGCCATCAGAGGAAAAGGCTGCTTCCCCTCCCAGACCTCTGCTTTCAAATGCCT[C>G]GGCAACTCCAGTTGGCAGAAGGGGCCGTCTGGCCAATCTTGCTGCAACTATTTGCTCCTG-3'
Protein context (NP_061155.2, residues 182-202): SPPRPLLSNA[Ser192Trp]ATPVGRRGRL